The following is an entry in ClinVar:

ClinVar aggregate classification (germline): Uncertain significance (1 of 4 stars; one submission).

Conditions:
Hereditary cancer-predisposing syndrome. Also called: Neoplastic Syndromes, Hereditary; Tumor predisposition; Hereditary Cancer Syndrome; Hereditary neoplastic syndrome. Identifiers: Orphanet 140162, MedGen C0027672, MeSH D009386, MONDO:0015356.

Submission:

Ambry Genetics
Classification: Uncertain significance for Hereditary cancer-predisposing syndrome. Last evaluated: 2022-04-05. Review status: criteria provided, single submitter. Criteria: Ambry Variant Classification Scheme 2023. Collection method: clinical testing. Allele origin: germline.
Comment: The p.E388A variant (also known as c.1163A>C), located in coding exon 7 of the MEN1 gene, results from an A to C substitution at nucleotide position 1163. The glutamic acid at codon 388 is replaced by alanine, an amino acid with dissimilar properties. This amino acid position is conserved. In addition, the in silico prediction for this alteration is inconclusive. Since supporting evidence is limited at this time, the clinical significance of this alteration remains unclear.

NM_001370259.2(MEN1):c.1163A>C (p.Glu388Ala)

Gene: MEN1 (menin 1; minus strand). Cytogenetic location: 11q13.1.
Variant type: single nucleotide variant.
Coding change: c.1163A>C on transcript NM_001370259.2 (MANE Select); coding-DNA position 1163, A replaced by C.
Protein change: p.Glu388Ala; replaces glutamic acid 388 with alanine.
Molecular consequence: missense variant.
Genome position (GRCh38, 1-based): chr11:64,805,657, T>G on the plus strand (A>C on the coding strand, the complement: MEN1 is on the minus strand). VCF-style: chr11-64805657-T-G. GRCh37 (hg19) VCF-style: chr11-64573129-T-G.
Other names: c.1178A>C, p.Glu393Ala (NM_000244.4, NM_130800.3, NM_130801.3 and 4 more transcripts); c.1289A>C, p.Glu430Ala (NM_001370251.2, NM_001407142.1, NM_001407143.1 and 1 more transcripts); c.1163A>C, p.Glu388Ala (NM_001370260.2, NM_001370261.2, NM_001407146.1 and 3 more transcripts); c.1058A>C, p.Glu353Ala (NM_001370262.2, NM_001370263.2, NM_001407148.1 and 1 more transcripts); c.1304A>C, p.Glu435Ala (NM_001407150.1); c.1184A>C, p.Glu395Ala (NM_001407151.1); short protein forms E388A, E393A, E430A, E435A, E353A, E395A.
Identifiers: ClinVar variation 1737439 (VCV001737439.2), dbSNP rs1941664420, ClinGen allele CA381182131.